The following is an entry in ClinVar:

NM_015047.3(EMC1):c.17C>T (p.Ala6Val)

Gene: EMC1 (ER membrane protein complex subunit 1; minus strand). Cytogenetic location: 1p36.13.
Variant type: single nucleotide variant.
Coding change: c.17C>T on transcript NM_015047.3 (MANE Select); coding-DNA position 17, C replaced by T.
Protein change: p.Ala6Val; replaces alanine 6 with valine.
Molecular consequence: missense variant.
Genome position (GRCh38, 1-based): chr1:19,251,493, G>A on the plus strand (C>T on the coding strand, the complement: EMC1 is on the minus strand). VCF-style: chr1-19251493-G-A. GRCh37 (hg19) VCF-style: chr1-19577987-G-A.
Other names: c.17C>T, p.Ala6Val (NM_001271427.2, NM_001271428.2, NM_001271429.2 and 2 more transcripts); c.17C>T (NM_015047.1); short protein forms A6V.
Identifiers: ClinVar variation 1504979 (VCV001504979.9), dbSNP rs761090306, ClinGen allele CA653079.

ClinVar aggregate classification (germline): Uncertain significance. Review status: criteria provided, multiple submitters, no conflicts (2 of 4 stars). 2 submissions from 2 submitters: Uncertain significance (2). Last evaluated 2025-09-22.

Conditions:
Inborn genetic diseases. Identifiers: MedGen C0950123, MeSH D030342.

Allele frequency attached by ClinVar (database versions not stated): gnomAD 0.00001; gnomAD exomes 0.00001 and 0.00002; ExAC 0.00002.
gnomAD v4.1: 13 of 1,614,004 alleles (0.00081%); highest among the groups gnomAD compares: South Asian, 0.013%; no homozygotes.

Submissions (2):

Ambry Genetics
Classification: Uncertain significance for Inborn genetic diseases. Last evaluated: 2025-09-22. Review status: criteria provided, single submitter. Criteria: Ambry Variant Classification Scheme 2023. Collection method: clinical testing. Allele origin: germline.

Labcorp Genetics (formerly Invitae), Labcorp
Classification: Uncertain significance. Last evaluated: 2022-02-02. Review status: criteria provided, single submitter. Criteria: Invitae Variant Classification Sherloc (09022015). Collection method: clinical testing. Allele origin: germline.
Comment: In summary, the available evidence is currently insufficient to determine the role of this variant in disease. Therefore, it has been classified as a Variant of Uncertain Significance. Algorithms developed to predict the effect of missense changes on protein structure and function output the following: SIFT: "Tolerated"; PolyPhen-2: "Benign"; Align-GVGD: "Class C0". The valine amino acid residue is found in multiple mammalian species, which suggests that this missense change does not adversely affect protein function. This variant has not been reported in the literature in individuals affected with EMC1-related conditions. This variant is present in population databases (rs761090306, gnomAD 0.02%). This sequence change replaces alanine, which is neutral and non-polar, with valine, which is neutral and non-polar, at codon 6 of the EMC1 protein (p.Ala6Val).